The following is an entry in ClinVar:

ClinVar aggregate classification (germline): Benign. Review status: criteria provided, multiple submitters, no conflicts (2 of 4 stars). 11 submissions from 11 submitters: Benign (9). 2 of the submissions do not count toward it. Last evaluated 2026-02-04.

Conditions:
Polycystic kidney disease 4 (PKD4). Also called: POLYCYSTIC KIDNEY AND HEPATIC DISEASE 1; POLYCYSTIC KIDNEY DISEASE, INFANTILE, TYPE I; POLYCYSTIC KIDNEY DISEASE 4 WITH OR WITHOUT POLYCYSTIC LIVER DISEASE; PKD3; Autosomal Recessive Polycystic Kidney Disease – PKHD1. Identifiers: MedGen C4540575, MONDO:0033004, OMIM 263200.
Autosomal recessive polycystic kidney disease (ARPKD). Also called: AR polycystic kidney disease. Identifiers: Orphanet 731, Orphanet 8378, MedGen C0085548, MeSH D017044, MONDO:0009889.
Polycystic kidney disease. Also called: Kidney, Polycystic; Polycystic kidney dysplasia. Identifiers: MedGen C0022680, MeSH D007690, MONDO:0020642, HP:0000113.

Allele frequency attached by ClinVar (database versions not stated): 1000 Genomes Project 0.36761; 1000 Genomes Project 30x 0.37258; gnomAD exomes 0.37493; ExAC 0.38611; gnomAD 0.44357 and 0.45597; TOPMed 0.45584; ESP Exome Variant Server 0.49362.
gnomAD v4.1: 663,779 of 1,609,244 alleles (41%); highest among the groups gnomAD compares: African/African-American, 59%; 143,095 homozygotes.

Submissions (11):

Labcorp Genetics (formerly Invitae), Labcorp
Classification: Benign for Autosomal recessive polycystic kidney disease. Last evaluated: 2026-02-04. Review status: criteria provided, single submitter. Criteria: Invitae Variant Classification Sherloc (09022015). Collection method: clinical testing. Allele origin: germline.

Blueprint Genetics
Classification: Benign. Last evaluated: 2024-11-27. Review status: criteria provided, single submitter. Criteria: ACMG Guidelines, 2015. Collection method: clinical testing. Allele origin: germline.

Mayo Clinic Laboratories, Mayo Clinic
Classification: Benign. Last evaluated: 2022-05-05. Review status: criteria provided, single submitter. Criteria: ACMG Guidelines, 2015. Collection method: clinical testing. Allele origin: germline. Observed: 338 variant alleles.

Genome-Nilou Lab
Classification: Benign for Polycystic kidney disease 4. Last evaluated: 2021-09-05. Review status: criteria provided, single submitter. Criteria: ACMG Guidelines, 2015. Collection method: clinical testing. Allele origin: germline. Affected: no.

Pars Genome Lab
Classification: Benign for Polycystic kidney disease 4. Last evaluated: 2021-06-19. Review status: criteria provided, single submitter. Criteria: ACMG Guidelines, 2015. Collection method: clinical testing. Allele origin: germline. Affected: no.

GeneDx
Classification: Benign. Last evaluated: 2018-07-09. Review status: criteria provided, single submitter. Criteria: GeneDx Variant Classification Process June 2021. Collection method: clinical testing. Allele origin: germline. Affected: yes.

Illumina Laboratory Services, Illumina
Classification: Benign for Polycystic kidney disease 4. Last evaluated: 2018-01-13. Review status: criteria provided, single submitter. Criteria: ICSL Variant Classification Criteria 13 December 2019. Collection method: clinical testing. Allele origin: germline.
Comment: This variant was observed in the ICSL laboratory as part of a predisposition screen in an ostensibly healthy population. It had not been previously curated by ICSL or reported in the Human Gene Mutation Database (HGMD: prior to June 1st, 2018), and was therefore a candidate for classification through an automated scoring system. Utilizing variant allele frequency, disease prevalence and penetrance estimates, and inheritance mode, an automated score was calculated to assess if this variant is too frequent to cause the disease. Based on the score and internal cut-off values, a variant classified as benign is not then subjected to further curation. The score for this variant resulted in a classification of benign for this disease.

Eurofins Ntd Llc (ga)
Classification: Benign. Last evaluated: 2015-10-27. Review status: criteria provided, single submitter. Criteria: EGL Classification Definitions 2015. Collection method: clinical testing. Allele origin: germline. Observed: 113 variant alleles, 87 heterozygotes, 26 homozygotes.

PreventionGenetics, part of Exact Sciences
Classification: Benign. Review status: criteria provided, single submitter. Criteria: ACMG Guidelines, 2015. Collection method: clinical testing. Allele origin: germline.

Natera, Inc.
Classification: Benign for Autosomal recessive polycystic kidney disease. Last evaluated: 2018-04-12. Review status: no assertion criteria provided. Collection method: clinical testing. Allele origin: germline. Not counted in ClinVar's aggregate classification.

Department of Pathology and Laboratory Medicine, Sinai Health System
Classification: Benign for Polycystic Kidney disease. Review status: no assertion criteria provided. Collection method: clinical testing. Allele origin: unknown. Affected: yes. Study: The Canadian Open Genetics Repository (COGR). Not counted in ClinVar's aggregate classification.
Comment: The c.8302+12T>A, p.? variant was identified in 38.61% of 46763 control alleles in the Exome Aggregation Consortium (March 14, 2016). According to ACMG guidelines for variant classification based on allele frequency, category BA1, this variant is considered benign and has not been further reviewed (Richards 2015).

NM_138694.4(PKHD1):c.8302+12T>A

Gene: PKHD1 (PKHD1 ciliary IPT domain containing fibrocystin/polyductin; minus strand). Cytogenetic location: 6p12.2.
Variant type: single nucleotide variant.
Coding change: c.8302+12T>A on transcript NM_138694.4 (MANE Select); 12 bases into the intron after coding-DNA position 8302, T replaced by A.
Molecular consequence: intron variant.
Genome position (GRCh38, 1-based): chr6:51,830,849, A>T on the plus strand (T>A on the coding strand, the complement: PKHD1 is on the minus strand). VCF-style: chr6-51830849-A-T. GRCh37 (hg19) VCF-style: chr6-51695647-A-T.
Other names: p.?; c.8302+12T>A (NM_170724.3).
Identifiers: ClinVar variation 96429 (VCV000096429.30), dbSNP rs1571084, ClinGen allele CA149531.